The following is an entry in ClinVar:

ClinVar aggregate classification (germline): Likely benign (0 of 4 stars; one submission).

Conditions:
TNFAIP3-related disorder. Also called: TNFAIP3-related condition.

Allele frequency attached by ClinVar (database versions not stated): gnomAD exomes below 0.00001.
gnomAD v4.1: 3 of 1,614,040 alleles (0.00019%); highest among the groups gnomAD compares: Non-Finnish European, 0.00025%; no homozygotes.

Submission:

PreventionGenetics, part of Exact Sciences
Classification: Likely benign for TNFAIP3-related condition. Last evaluated: 2021-07-21. Review status: no assertion criteria provided. Collection method: clinical testing. Allele origin: germline.
Comment: This variant is classified as likely benign based on ACMG/AMP sequence variant interpretation guidelines (Richards et al. 2015 PMID: 25741868, with internal and published modifications).

NM_001270508.2(TNFAIP3):c.2088+3G>A

Gene: TNFAIP3 (TNF alpha induced protein 3; plus strand). Cytogenetic location: 6q23.3.
Variant type: single nucleotide variant.
Coding change: c.2088+3G>A on transcript NM_001270508.2 (MANE Select); 3 bases into the intron after coding-DNA position 2088, G replaced by A.
Molecular consequence: intron variant.
Genome position (GRCh38, 1-based): chr6:137,880,255, G>A. VCF-style: chr6-137880255-G-A. GRCh37 (hg19) VCF-style: chr6-138201392-G-A.
Other names: c.2088+3G>A (NM_001270507.2, NM_006290.4).
Identifiers: ClinVar variation 3060117 (VCV003060117.2), dbSNP rs1320711987, ClinGen allele CA570977047.